The following is an entry in ClinVar:

ClinVar aggregate classification (germline): Uncertain significance (1 of 4 stars; one submission).

Conditions:
Inborn genetic diseases. Identifiers: MedGen C0950123, MeSH D030342.

Allele frequency attached by ClinVar (database versions not stated): ExAC 0.00001.
gnomAD v4.1: 3 of 1,614,158 alleles (0.00019%); highest among the groups gnomAD compares: Non-Finnish European, 0.00025%; no homozygotes.

Submission:

Ambry Genetics
Classification: Uncertain significance for Inborn genetic diseases. Last evaluated: 2019-10-21. Review status: criteria provided, single submitter. Criteria: Ambry Variant Classification Scheme 2023. Collection method: clinical testing. Allele origin: germline.
Comment: The p.M830V variant (also known as c.2488A>G), located in coding exon 16 of the POGZ gene, results from an A to G substitution at nucleotide position 2488. The methionine at codon 830 is replaced by valine, an amino acid with highly similar properties. This amino acid position is highly conserved in available vertebrate species. In addition, the in silico prediction for this alteration is inconclusive. Since supporting evidence is limited at this time, the clinical significance of this alteration remains unclear.

NM_015100.4(POGZ):c.2488A>G (p.Met830Val)

Gene: POGZ (pogo transposable element derived with ZNF domain; minus strand). Cytogenetic location: 1q21.3.
Variant type: single nucleotide variant.
Coding change: c.2488A>G on transcript NM_015100.4 (MANE Select); coding-DNA position 2488, A replaced by G.
Protein change: p.Met830Val; replaces methionine 830 with valine.
Molecular consequence: missense variant.
Genome position (GRCh38, 1-based): chr1:151,406,968, T>C on the plus strand (A>G on the coding strand, the complement: POGZ is on the minus strand). VCF-style: chr1-151406968-T-C. GRCh37 (hg19) VCF-style: chr1-151379444-T-C.
Other names: c.2461A>G, p.Met821Val (NM_001194937.2); c.2302A>G, p.Met768Val (NM_001194938.2); c.2509A>G, p.Met837Val (NM_001410860.1); c.2203A>G, p.Met735Val (NM_145796.4); c.2329A>G, p.Met777Val (NM_207171.2); short protein forms M768V, M830V, M837V, M735V, M777V, M821V.
Identifiers: ClinVar variation 1792010 (VCV001792010.2), dbSNP rs751689833, ClinGen allele CA1091161.
Genomic context (GRCh38, chr1:151,406,968, plus strand): 5'-TACCCCGTGGCAGGATGCTGCTGGATCTGTGAGAGGGGTTGAATACCAAATGCTTGGCCA[T>C]AGCATCGCCCACAGAGGTAACAAAGGTACATGAAGTGCAGGCCAGCTTGATTCCACTAAA-3'
Protein context (NP_055915.2, residues 820-840): CTFVTSVGDA[Met830Val]AKHLVFNPSH